The following is an entry in ClinVar:

NM_152703.5(SAMD9L):c.1093G>C (p.Ala365Pro)

Gene: SAMD9L (sterile alpha motif domain containing 9 like; minus strand). Cytogenetic location: 7q21.2.
Variant type: single nucleotide variant.
Coding change: c.1093G>C on transcript NM_152703.5 (MANE Select); coding-DNA position 1093, G replaced by C.
Protein change: p.Ala365Pro; replaces alanine 365 with proline.
Molecular consequence: missense variant.
Genome position (GRCh38, 1-based): chr7:93,134,879, C>G on the plus strand (G>C on the coding strand, the complement: SAMD9L is on the minus strand). VCF-style: chr7-93134879-C-G. GRCh37 (hg19) VCF-style: chr7-92764192-C-G.
Other names: c.1093G>C, p.Ala365Pro (NM_001303496.3, NM_001303497.3, NM_001303498.3 and 5 more transcripts); short protein forms A365P.
Identifiers: ClinVar variation 3792508 (VCV003792508.1).

ClinVar aggregate classification (germline): Uncertain significance (1 of 4 stars; one submission).

Conditions:
Inborn genetic diseases. Identifiers: MedGen C0950123, MeSH D030342.

Submission:

Ambry Genetics
Classification: Uncertain significance for Inborn genetic diseases. Last evaluated: 2025-03-10. Review status: criteria provided, single submitter. Criteria: Ambry Variant Classification Scheme 2023. Collection method: clinical testing. Allele origin: germline.
Comment: The p.A365P variant (also known as c.1093G>C), located in coding exon 1 of the SAMD9L gene, results from a G to C substitution at nucleotide position 1093. The alanine at codon 365 is replaced by proline, an amino acid with highly similar properties. This amino acid position is conserved. In addition, this alteration is predicted to be tolerated by in silico analysis. Based on the available evidence, the clinical significance of this variant remains unclear.